The following is an entry in ClinVar:

ClinVar aggregate classification (germline): Uncertain significance. Review status: criteria provided, multiple submitters, no conflicts (2 of 4 stars). 2 submissions from 2 submitters: Uncertain significance (2). Last evaluated 2022-02-22.

Conditions:
Hypercalcemia, infantile, 1 (HCINF1). Identifiers: Orphanet 300547, MedGen CN031131, MONDO:0020739, OMIM 143880.

Submissions (2):

Labcorp Genetics (formerly Invitae), Labcorp
Classification: Uncertain significance. Last evaluated: 2022-02-22. Review status: criteria provided, single submitter. Criteria: Invitae Variant Classification Sherloc (09022015). Collection method: clinical testing. Allele origin: germline.
Comment: This sequence change replaces glutamic acid, which is acidic and polar, with aspartic acid, which is acidic and polar, at codon 122 of the CYP24A1 protein (p.Glu122Asp). This variant is not present in population databases (gnomAD no frequency). This variant has not been reported in the literature in individuals affected with CYP24A1-related conditions. Algorithms developed to predict the effect of missense changes on protein structure and function (SIFT, PolyPhen-2, Align-GVGD) all suggest that this variant is likely to be disruptive. In summary, the available evidence is currently insufficient to determine the role of this variant in disease. Therefore, it has been classified as a Variant of Uncertain Significance.

Revvity Omics, Revvity
Classification: Uncertain significance for Hypercalcemia, infantile, 1. Last evaluated: 2021-02-17. Review status: criteria provided, single submitter. Criteria: ACMG Guidelines, 2015. Collection method: clinical testing. Allele origin: germline.

NM_000782.5(CYP24A1):c.366G>T (p.Glu122Asp)

Gene: CYP24A1 (cytochrome P450 family 24 subfamily A member 1; minus strand). Cytogenetic location: 20q13.2.
Variant type: single nucleotide variant.
Coding change: c.366G>T on transcript NM_000782.5 (MANE Select); coding-DNA position 366, G replaced by T.
Protein change: p.Glu122Asp; replaces glutamic acid 122 with aspartic acid.
Molecular consequence: missense variant.
Genome position (GRCh38, 1-based): chr20:54,172,992, C>A on the plus strand (G>T on the coding strand, the complement: CYP24A1 is on the minus strand). VCF-style: chr20-54172992-C-A. GRCh37 (hg19) VCF-style: chr20-52789531-C-A.
Other names: c.366G>T (NM_000782.4); c.366G>T, p.Glu122Asp (NM_001128915.2); short protein forms E122D.
Identifiers: ClinVar variation 2101959 (VCV002101959.7), dbSNP rs2092699389, ClinGen allele CA409393109.